The following is an entry in ClinVar:

NC_000017.11:g.(?_31232063)_(31236281_?)del

Gene: NF1 (neurofibromin 1; plus strand). Cytogenetic location: 17q11.2.
Variant type: Deletion.
Identifiers: ClinVar variation 833234 (VCV000833234.2).

ClinVar aggregate classification (germline): Pathogenic (1 of 4 stars; one submission).

Conditions:
Neurofibromatosis, type 1 (NF1). Also called: Peripheral type neurofibromatosis; Neurofibromatosis, type I; VON RECKLINGHAUSEN DISEASE; NEUROFIBROMATOSIS, TYPE I, SOMATIC. Identifiers: Orphanet 636, MedGen C0027831, MONDO:0018975, OMIM 162200. Disease mechanism: loss of function.

Submission:

Labcorp Genetics (formerly Invitae), Labcorp
Classification: Pathogenic for Neurofibromatosis, type 1. Last evaluated: 2021-09-09. Review status: criteria provided, single submitter. Criteria: Invitae Variant Classification Sherloc (09022015). Collection method: clinical testing. Allele origin: germline.
Comment: This variant is a gross deletion of the genomic region encompassing exon(s) 25-29 of the NF1 gene. This variant would be expected to be in-frame, preserving the integrity of the reading frame. A similar copy number variant has been observed in individual(s) with clinical features of neurofibromatosis type 1 (Invitae). The region of the NF1 gene that includes exon(s) 25-27 has been determined to be clinically significant (PMID: 14605872, 27716896; Invitae). Therefore, deletions that encompass that region are likely to be disease-causing. For these reasons, this variant has been classified as Pathogenic.

Literature cited by the submitters: PubMed 14605872; PubMed 27716896.